The following is an entry in ClinVar:

ClinVar aggregate classification (germline): Uncertain significance (1 of 4 stars; one submission).

Conditions:
Familial colorectal cancer. Identifiers: MedGen CN280943, MONDO:0023113. Disease mechanism: loss of function.

Submission:

Labcorp Genetics (formerly Invitae), Labcorp
Classification: Uncertain significance for Familial colorectal cancer. Last evaluated: 2022-11-15. Review status: criteria provided, single submitter. Criteria: Invitae Variant Classification Sherloc (09022015). Collection method: clinical testing. Allele origin: germline.
Comment: In summary, the available evidence is currently insufficient to determine the role of this variant in disease. Therefore, it has been classified as a Variant of Uncertain Significance. Experimental studies and prediction algorithms are not available or were not evaluated, and the functional significance of this variant is currently unknown. Two different tandem duplications (40 kb and 16 kb) spanning the 3' end of the SCG5 gene and the region upstream of the GREM1 gene have been reported in families with hereditary mixed polyposis syndrome (PMID: 22561515, 25992589, 26493165). However, the gain identified in this individual is different from those variants, and therefore the impact of the additional duplicated sequences on GREM1 expression and function has not been established. A copy number gain of the genomic region encompassing the full coding sequence of the GREM1 gene has been identified. The boundaries of this event are unknown as they extend beyond the assayed region for this gene and therefore may encompass additional genes. As the precise location of this event is unknown, it may be in tandem or it may be located elsewhere in the genome.

Literature cited by the submitters: PubMed 22561515; PubMed 25992589; PubMed 26493165.

NC_000015.9:g.(?_32964889)_(33878337_?)dup

Genes: GREM1 (gremlin 1, DAN family BMP antagonist; plus strand), RYR3 (ryanodine receptor 3; plus strand), SCG5 (secretogranin V; plus strand). Cytogenetic location: 15q13.3-14.
Variant type: Duplication.
Identifiers: ClinVar variation 2425854 (VCV002425854.4).